The following is an entry in ClinVar:

NM_001365999.1(SZT2):c.7759A>C (p.Ile2587Leu)

Gene: SZT2 (SZT2 subunit of KICSTOR complex; plus strand). Cytogenetic location: 1p34.2.
Variant type: single nucleotide variant.
Coding change: c.7759A>C on transcript NM_001365999.1 (MANE Select); coding-DNA position 7759, A replaced by C.
Protein change: p.Ile2587Leu; replaces isoleucine 2587 with leucine.
Molecular consequence: missense variant.
Genome position (GRCh38, 1-based): chr1:43,442,016, A>C. VCF-style: chr1-43442016-A-C. GRCh37 (hg19) VCF-style: chr1-43907687-A-C.
Other names: c.7588A>C, p.Ile2530Leu (NM_015284.4); short protein forms I2530L, I2587L.
Identifiers: ClinVar variation 851913 (VCV000851913.10), dbSNP rs567627025, ClinGen allele CA21646709.

ClinVar aggregate classification (germline): Uncertain significance. Review status: criteria provided, multiple submitters, no conflicts (2 of 4 stars). 4 submissions from 4 submitters: Uncertain significance (4). Last evaluated 2026-02-17.

Conditions:
Inborn genetic diseases. Identifiers: MedGen C0950123, MeSH D030342.
Developmental and epileptic encephalopathy, 18 (DEE18). Also called: Early infantile epileptic encephalopathy 18. Identifiers: Orphanet 369894, MedGen C3809624, MONDO:0014201, OMIM 615476.

Allele frequency attached by ClinVar (database versions not stated): gnomAD 0.00001; gnomAD exomes 0.00001; TOPMed 0.00004.
gnomAD v4.1: 6 of 1,613,228 alleles (0.00037%); highest among the groups gnomAD compares: Admixed American, 0.01%; no homozygotes.

Submissions (4):

Women's Health and Genetics/Laboratory Corporation of America, LabCorp
Classification: Uncertain significance. Last evaluated: 2026-02-17. Review status: criteria provided, single submitter. Criteria: LabCorp Variant Classification Summary - May 2015. Collection method: clinical testing. Allele origin: germline.
Comment: Variant summary: SZT2 c.7588A>C (p.Ile2530Leu) results in a conservative amino acid change in the encoded protein sequence. Algorithms developed to predict the effect of missense changes on protein structure and function all suggest that this variant is likely to be tolerated. The variant allele was found at a frequency of 8e-06 in 250268 control chromosomes. The available data on variant occurrences in the general population are insufficient to allow any conclusion about variant significance. To our knowledge, no occurrence of c.7588A>C in individuals affected with SZT2-related conditions and no experimental evidence demonstrating its impact on protein function have been reported. ClinVar contains an entry for this variant (Variation ID: 851913). Based on the evidence outlined above, the variant was classified as uncertain significance.

Genome-Nilou Lab
Classification: Uncertain significance for Developmental and epileptic encephalopathy, 18. Last evaluated: 2023-04-11. Review status: criteria provided, single submitter. Criteria: ACMG Guidelines, 2015. Collection method: clinical testing. Allele origin: germline. Affected: no.

Labcorp Genetics (formerly Invitae), Labcorp
Classification: Uncertain significance. Last evaluated: 2022-09-07. Review status: criteria provided, single submitter. Criteria: Invitae Variant Classification Sherloc (09022015). Collection method: clinical testing. Allele origin: germline.
Comment: This sequence change replaces isoleucine, which is neutral and non-polar, with leucine, which is neutral and non-polar, at codon 2530 of the SZT2 protein (p.Ile2530Leu). This variant is present in population databases (no rsID available, gnomAD 0.006%). This variant has not been reported in the literature in individuals affected with SZT2-related conditions. ClinVar contains an entry for this variant (Variation ID: 851913). Algorithms developed to predict the effect of missense changes on protein structure and function output the following: SIFT: "Tolerated"; PolyPhen-2: "Benign"; Align-GVGD: "Class C0". The leucine amino acid residue is found in multiple mammalian species, which suggests that this missense change does not adversely affect protein function. In summary, the available evidence is currently insufficient to determine the role of this variant in disease. Therefore, it has been classified as a Variant of Uncertain Significance.

Ambry Genetics
Classification: Uncertain significance for Inborn genetic diseases. Last evaluated: 2018-01-26. Review status: criteria provided, single submitter. Criteria: Ambry Variant Classification Scheme 2023. Collection method: clinical testing. Allele origin: germline.
Comment: The p.I2530L variant (also known as c.7588A>C), located in coding exon 55 of the SZT2 gene, results from an A to C substitution at nucleotide position 7588. The isoleucine at codon 2530 is replaced by leucine, an amino acid with highly similar properties. This amino acid position is poorly conserved in available vertebrate species. In addition, this alteration is predicted to be tolerated by in silico analysis. Since supporting evidence is limited at this time, the clinical significance of this alteration remains unclear.